The following is an entry in ClinVar:

ClinVar aggregate classification (germline): Pathogenic. Review status: criteria provided, single submitter (1 of 4 stars). 2 submissions from 2 submitters: Pathogenic (1). 1 of the submissions does not count toward it. Last evaluated 2023-11-03.

Conditions:
Sturge-Weber syndrome (SWS). Also called: STURGE-WEBER SYNDROME, SOMATIC, MOSAIC; Encephalotrigeminal angiomatosis; Fourth phacomatosis; Meningeal capillary angiomatosis; Leptomeningeal angiomatosis; Encephalofacial angiomatosis. Identifiers: Orphanet 3205, MedGen C0038505, MONDO:0008501, OMIM 185300.
Abnormal cardiovascular system morphology. Also called: Abnormality of cardiovascular system morphology. Identifiers: MedGen C4049796, HP:0030680.

Submissions (2):

Clinical Genomics Laboratory, Washington University in St. Louis
Classification: Pathogenic for Sturge-Weber syndrome. Last evaluated: 2023-11-03. Review status: criteria provided, single submitter. Criteria: ACMG Guidelines, 2015. Collection method: clinical testing. Allele origin: somatic. Affected: yes.
Comment: A GNAQ c.626A>G (p.Gln209Arg) variant was identified at an allelic fraction consistent with somatic origin. The GNAQ c.626A>G (p.Gln209Arg) variant has been described in numerous patients affected with Sturge-Weber syndrome, choroidal hemangioma, non-syndromic capillary malformations, and cherry angiomas (Francis JH et al., PMID: 30537484; Le Guin CHD et al., PMID: 31336681; Galeffi F et al., PMID: 35635655; Klebanov N et al., PMID: 30601876). This variant has been reported in eleven cases in the cancer database COSMIC (Genomic Mutation ID: COSV54108414) and is absent from the general population (gnomAD v.3.1.2), indicating it is not a common variant. It lies within the GTP-binding site of the ras-like domain of GNAQ, which is defined as a critical functional domain (Markby DW et al., PMID: 8266082; Van Raamsdonk CD et al., PMID: 19078957). Computational predictors indicate that the GNAQ c.626A>G (p.Gln209Arg) variant is damaging, evidence that correlates with impact on GNAQ function. In support of this prediction, functional studies show increased activation of mitogen-activated protein kinase (MAPK) signaling pathways and associated downstream transcriptional programs in microvascular endothelial cells (Galeffi F et al., PMID: 35635655). The GNAQ gene is a gene that has a low rate of benign missense variation and where pathogenic missense variants are a common mechanism of disease. Other variants in the same codon, p.Gln209His, p.Gln209Leu and p.Gln209Pro, have been reported in multiple individuals and are considered pathogenic (Van Raamsdonk CD et al., PMID: 19078957; ClinVar IDs: 1172602, 1172601, 375955, 375957). Based on an internally-developed protocol informed by the ACMG/AMP guidelines (Richards S et al., PMID: 25741868), the GNAQ c.626A>G (p.Gln209Arg) variant is classified as pathogenic.

MAGI's Lab - Research, MAGI Group
Classification: Pathogenic for Abnormal cardiovascular system morphology. Review status: no assertion criteria provided. Collection method: provider interpretation. Allele origin: somatic. Affected: yes. Not counted in ClinVar's aggregate classification.

NM_002072.5(GNAQ):c.626A>G (p.Gln209Arg)

Gene: GNAQ (G protein subunit alpha q; minus strand). Cytogenetic location: 9q21.2.
Variant type: single nucleotide variant.
Coding change: c.626A>G on transcript NM_002072.5 (MANE Select); coding-DNA position 626, A replaced by G.
Protein change: p.Gln209Arg; replaces glutamine 209 with arginine.
Molecular consequence: missense variant.
Genome position (GRCh38, 1-based): chr9:77,794,572, T>C on the plus strand (A>G on the coding strand, the complement: GNAQ is on the minus strand). VCF-style: chr9-77794572-T-C. GRCh37 (hg19) VCF-style: chr9-80409488-T-C.
Other names: short protein forms Q209R.
Identifiers: ClinVar variation 375956 (VCV000375956.4), dbSNP rs121913492, ClinGen allele CA16602435.